The following is an entry in ClinVar:

ClinVar aggregate classification (germline): Uncertain significance (1 of 4 stars; one submission).

Conditions:
Amelocerebrohypohidrotic syndrome (KTZS). Also called: Kohlschutter's syndrome; EPILEPSY AND YELLOW TEETH; EPILEPSY, DEMENTIA, AND AMELOGENESIS IMPERFECTA; KOHLSCHUTTER SYNDROME. Identifiers: Orphanet 1946, MedGen C0406740, MONDO:0009185, OMIM 226750.

Allele frequency attached by ClinVar (database versions not stated): gnomAD 0.00001; gnomAD exomes 0.00001; TOPMed 0.00002.
gnomAD v4.1: 6 of 1,613,854 alleles (0.00037%); highest among the groups gnomAD compares: Non-Finnish European, 0.00042%; no homozygotes.

Submission:

Labcorp Genetics (formerly Invitae), Labcorp
Classification: Uncertain significance for Amelocerebrohypohidrotic syndrome. Last evaluated: 2020-09-01. Review status: criteria provided, single submitter. Criteria: Invitae Variant Classification Sherloc (09022015). Collection method: clinical testing. Allele origin: germline.
Comment: This variant is not present in population databases (ExAC no frequency). In summary, the available evidence is currently insufficient to determine the role of this variant in disease. Therefore, it has been classified as a Variant of Uncertain Significance. Algorithms developed to predict the effect of missense changes on protein structure and function are either unavailable or do not agree on the potential impact of this missense change (SIFT: "Deleterious"; PolyPhen-2: "Benign"; Align-GVGD: "Class C0"). This variant has not been reported in the literature in individuals with ROGDI-related conditions. This sequence change replaces proline with threonine at codon 211 of the ROGDI protein (p.Pro211Thr). The proline residue is highly conserved and there is a small physicochemical difference between proline and threonine.

NM_024589.3(ROGDI):c.631C>A (p.Pro211Thr)

Gene: ROGDI (rogdi atypical leucine zipper; minus strand). Cytogenetic location: 16p13.3.
Variant type: single nucleotide variant.
Coding change: c.631C>A on transcript NM_024589.3 (MANE Select); coding-DNA position 631, C replaced by A.
Protein change: p.Pro211Thr; replaces proline 211 with threonine.
Molecular consequence: missense variant. On other transcripts: non-coding transcript variant (1).
Genome position (GRCh38, 1-based): chr16:4,798,085, G>T on the plus strand (C>A on the coding strand, the complement: ROGDI is on the minus strand). VCF-style: chr16-4798085-G-T. GRCh37 (hg19) VCF-style: chr16-4848086-G-T.
Other names: short protein forms P211T.
Identifiers: ClinVar variation 1001732 (VCV001001732.8), dbSNP rs943573881, ClinGen allele CA277136197.
Genomic context (GRCh38, chr16:4,798,085, plus strand): 5'-GGCGTGTGCATGGCGGGCAGTGGGCCGGGCAGGGGTCCCTCCTCACCTTGGTGGAGTTGG[G>T]CTGCAGGGCATGCAGCTGGTACACCGTGAGGCAGAGCTTGTTGAGGTTGATGTAGACGTT-3'
Protein context (NP_078865.1, residues 201-221): LTVYQLHALQ[Pro211Thr]NSTKNFRPAG